The following is an entry in ClinVar:

ClinVar aggregate classification (germline): Benign. Review status: criteria provided, single submitter (1 of 4 stars). 2 submissions from 2 submitters: Benign (1). 1 of the submissions does not count toward it. Last evaluated 2026-01-08.

Conditions:
RIGI-related disorder. Also called: RIGI-related condition.

Allele frequency attached by ClinVar (database versions not stated): gnomAD exomes 0.00046 and 0.00126; ExAC 0.00160; 1000 Genomes Project 0.00459; 1000 Genomes Project 30x 0.00484; gnomAD 0.00489 and 0.00526; ESP Exome Variant Server 0.00524; TOPMed 0.00561.
gnomAD v4.1: 1,418 of 1,609,100 alleles (0.088%); highest among the groups gnomAD compares: African/African-American, 1.7%; 17 homozygotes.

Submissions (2):

Labcorp Genetics (formerly Invitae), Labcorp
Classification: Benign. Last evaluated: 2026-01-08. Review status: criteria provided, single submitter. Criteria: Invitae Variant Classification Sherloc (09022015). Collection method: clinical testing. Allele origin: germline.

PreventionGenetics, part of Exact Sciences
Classification: Benign for RIGI-related condition. Last evaluated: 2024-02-02. Review status: no assertion criteria provided. Collection method: clinical testing. Allele origin: germline. Not counted in ClinVar's aggregate classification.
Comment: This variant is classified as benign based on ACMG/AMP sequence variant interpretation guidelines (Richards et al. 2015 PMID: 25741868, with internal and published modifications).

NM_014314.4(RIGI):c.294A>G (p.Glu98=)

Gene: RIGI (RNA sensor RIG-I; minus strand). Cytogenetic location: 9p21.1.
Variant type: single nucleotide variant.
Coding change: c.294A>G on transcript NM_014314.4 (MANE Select); coding-DNA position 294, A replaced by G.
Protein change: p.Glu98=; no amino-acid change (glutamic acid 98 retained).
Molecular consequence: synonymous variant.
Genome position (GRCh38, 1-based): chr9:32,493,890, T>C on the plus strand (A>G on the coding strand, the complement: RIGI is on the minus strand). VCF-style: chr9-32493890-T-C. GRCh37 (hg19) VCF-style: chr9-32493888-T-C.
Identifiers: ClinVar variation 713712 (VCV000713712.13), dbSNP rs114087206, ClinGen allele CA5020121.